The following is an entry in ClinVar:

NM_012469.4(PRPF6):c.509G>A (p.Arg170His)

Gene: PRPF6 (pre-mRNA processing factor 6; plus strand). Cytogenetic location: 20q13.33.
Variant type: single nucleotide variant.
Coding change: c.509G>A on transcript NM_012469.4 (MANE Select); coding-DNA position 509, G replaced by A.
Protein change: p.Arg170His; replaces arginine 170 with histidine.
Molecular consequence: missense variant.
Genome position (GRCh38, 1-based): chr20:63,994,986, G>A. VCF-style: chr20-63994986-G-A. GRCh37 (hg19) VCF-style: chr20-62626339-G-A.
Other names: short protein forms R170H.
Identifiers: ClinVar variation 1349133 (VCV001349133.8), dbSNP rs202059755, ClinGen allele CA9971923.
Genomic context (GRCh38, chr20:63,994,986, plus strand): 5'-CAGAAGTCACAGAAGAAGAGTGGCTGAGCATCCCCGAGGTTGGCGATGCCAGAAATAAAC[G>A]TCAGCGGAACCCACGCTATGAGAAGCTGACCCCTGTTCCTGACAGTTTCTTTGCCAAACA-3'
Protein context (NP_036601.2, residues 160-180): IPEVGDARNK[Arg170His]QRNPRYEKLT

ClinVar aggregate classification (germline): Uncertain significance (1 of 4 stars; one submission).

Allele frequency attached by ClinVar (database versions not stated): gnomAD 0.00001 and 0.00003; gnomAD exomes 0.00001; ExAC 0.00002; TOPMed 0.00005; 1000 Genomes Project 30x 0.00016; 1000 Genomes Project 0.00020.
gnomAD v4.1: 27 of 1,614,196 alleles (0.0017%); highest among the groups gnomAD compares: African/African-American, 0.017%; no homozygotes.

Submission:

Labcorp Genetics (formerly Invitae), Labcorp
Classification: Uncertain significance. Last evaluated: 2025-10-26. Review status: criteria provided, single submitter. Criteria: Invitae Variant Classification Sherloc (09022015). Collection method: clinical testing. Allele origin: germline.
Comment: This sequence change replaces arginine, which is basic and polar, with histidine, which is basic and polar, at codon 170 of the PRPF6 protein (p.Arg170His). This variant is present in population databases (rs202059755, gnomAD 0.01%). This variant has not been reported in the literature in individuals affected with PRPF6-related conditions. ClinVar contains an entry for this variant (Variation ID: 1349133). Invitae Evidence Modeling of protein sequence and biophysical properties (such as structural, functional, and spatial information, amino acid conservation, physicochemical variation, residue mobility, and thermodynamic stability) indicates that this missense variant is not expected to disrupt PRPF6 protein function with a negative predictive value of 80%. In summary, the available evidence is currently insufficient to determine the role of this variant in disease. Therefore, it has been classified as a Variant of Uncertain Significance.